The following is an entry in ClinVar:

NM_000384.3(APOB):c.4795C>T (p.Arg1599Cys)

Gene: APOB (apolipoprotein B; minus strand). Cytogenetic location: 2p24.1.
Variant type: single nucleotide variant.
Coding change: c.4795C>T on transcript NM_000384.3 (MANE Select); coding-DNA position 4795, C replaced by T.
Protein change: p.Arg1599Cys; replaces arginine 1599 with cysteine.
Molecular consequence: missense variant.
Genome position (GRCh38, 1-based): chr2:21,012,073, G>A on the plus strand (C>T on the coding strand, the complement: APOB is on the minus strand). VCF-style: chr2-21012073-G-A. GRCh37 (hg19) VCF-style: chr2-21234945-G-A.
Other names: short protein forms R1599C.
Identifiers: ClinVar variation 2928020 (VCV002928020.5), dbSNP rs191145848, ClinGen allele CA061287.
Genomic context (GRCh38, chr2:21,012,073, plus strand): 5'-GTGATCCAGAAAGCAGGCTGAAGAACCTCAATGACTCGTAATCAGCCTGATATTCAGAAC[G>A]CAGCAGTGCATTTTGCTTAGAGAAGGTCATATCCATCTTGTTAGAAGTGGCAAAGTTCTT-3'
Protein context (NP_000375.3, residues 1589-1609): MTFSKQNALL[Arg1599Cys]SEYQADYESL

ClinVar aggregate classification (germline): Conflicting classifications of pathogenicity. Review status: criteria provided, conflicting classifications (1 of 4 stars). 3 submissions from 3 submitters: Uncertain significance (1); Benign (1). 1 of the submissions does not count toward it. Last evaluated 2024-04-25.

Conditions:
Cardiovascular phenotype. Identifiers: MedGen CN230736.
APOB-related disorder. Also called: APOB-related condition; APOB-related disorders.
Hypercholesterolemia, autosomal dominant, type B (FHCL2). Also called: APOB-Related Familial Hypercholesterolemia, Autosomal Dominant; Familial Hypercholesterolemia Type B; APOLIPOPROTEIN B-100, FAMILIAL DEFECTIVE; APOLIPOPROTEIN B-100, FAMILIAL LIGAND-DEFECTIVE; HYPERCHOLESTEROLEMIA, FAMILIAL, DUE TO LIGAND-DEFECTIVE APOLIPOPROTEIN B; Hyperlipoproteinemia Type IIb. Identifiers: MedGen C1704417, MONDO:0007751, OMIM 144010.
Familial hypobetalipoproteinemia 1. Also called: Hypobetalipoproteinemia, normotriglyceridemic; Acanthocytosis with hypobetalipoproteinemia; APOB-Related Familial Hypobetalipoproteinemia. Identifiers: MedGen C4551990, MONDO:0014252, OMIM 615558.

Allele frequency attached by ClinVar (database versions not stated): gnomAD 0.00001 and 0.00003; gnomAD exomes 0.00001; TOPMed 0.00001; ExAC 0.00002; 1000 Genomes Project 30x 0.00031; 1000 Genomes Project 0.00040.
gnomAD v4.1: 16 of 1,614,162 alleles (0.00099%); highest among the groups gnomAD compares: Admixed American, 0.0083%; no homozygotes.

Submissions (3):

Labcorp Genetics (formerly Invitae), Labcorp
Classification: Benign for Familial hypobetalipoproteinemia 1; Hypercholesterolemia, autosomal dominant, type B. Last evaluated: 2024-04-25. Review status: criteria provided, single submitter. Criteria: Invitae Variant Classification Sherloc (09022015). Collection method: clinical testing. Allele origin: germline.

Ambry Genetics
Classification: Uncertain significance for Cardiovascular phenotype. Last evaluated: 2024-02-15. Review status: criteria provided, single submitter. Criteria: Ambry Variant Classification Scheme 2023. Collection method: clinical testing. Allele origin: germline.
Comment: The p.R1599C variant (also known as c.4795C>T), located in coding exon 26 of the APOB gene, results from a C to T substitution at nucleotide position 4795. The arginine at codon 1599 is replaced by cysteine, an amino acid with highly dissimilar properties. This amino acid position is well conserved in available vertebrate species. In addition, the in silico prediction for this alteration is inconclusive. Based on the available evidence, the clinical significance of this alteration remains unclear.

PreventionGenetics, part of Exact Sciences
Classification: Uncertain significance for APOB-related condition. Last evaluated: 2024-06-07. Review status: no assertion criteria provided. Collection method: clinical testing. Allele origin: germline. Not counted in ClinVar's aggregate classification.
Comment: The APOB c.4795C>T variant is predicted to result in the amino acid substitution p.Arg1599Cys. To our knowledge, this variant has not been reported in the literature. This variant is reported in 0.0062% of alleles in individuals of African descent in gnomAD. At this time, the clinical significance of this variant is uncertain due to the absence of conclusive functional and genetic evidence.